The following is an entry in ClinVar:

NM_016507.4(CDK12):c.3701A>G (p.Lys1234Arg)

Gene: CDK12 (cyclin dependent kinase 12; plus strand). Cytogenetic location: 17q12.
Variant type: single nucleotide variant.
Coding change: c.3701A>G on transcript NM_016507.4 (MANE Select); coding-DNA position 3701, A replaced by G.
Protein change: p.Lys1234Arg; replaces lysine 1234 with arginine.
Molecular consequence: missense variant.
Genome position (GRCh38, 1-based): chr17:39,526,257, A>G. VCF-style: chr17-39526257-A-G. GRCh37 (hg19) VCF-style: chr17-37682510-A-G.
Other names: c.3701A>G, p.Lys1234Arg (NM_015083.4); short protein forms K1234R.
Identifiers: ClinVar variation 4651334 (VCV004651334.1).
Genomic context (GRCh38, chr17:39,526,257, plus strand): 5'-TGAGTCAGCTGATGAAAACCCAAGAGCCAGCAGGCAGTCTGGAGGAAAACAACAGTGACA[A>G]GAACAGTGGGCCACAGGGGCCCCGAAGAACTCCCACAATGCCACAGGAGGAGGCAGCAGG-3'
Protein context (NP_057591.2, residues 1224-1244): AGSLEENNSD[Lys1234Arg]NSGPQGPRRT

ClinVar aggregate classification (germline): Uncertain significance (1 of 4 stars; one submission).

Submission:

Ambry Genetics
Classification: Uncertain significance. Last evaluated: 2025-09-26. Review status: criteria provided, single submitter. Criteria: Ambry Variant Classification Scheme 2023. Collection method: clinical testing. Allele origin: germline.
Comment: The p.K1234R variant (also known as c.3701A>G), located in coding exon 13 of the CDK12 gene, results from an A to G substitution at nucleotide position 3701. The lysine at codon 1234 is replaced by arginine, an amino acid with highly similar properties. This amino acid position is conserved. In addition, this alteration is predicted to be tolerated by in silico analysis. Based on the available evidence, the clinical significance of this variant remains unclear.